The following is an entry in ClinVar:

ClinVar aggregate classification (germline): Uncertain significance. Review status: criteria provided, multiple submitters, no conflicts (2 of 4 stars). 2 submissions from 2 submitters: Uncertain significance (2). Last evaluated 2026-01-05.

Conditions:
Fanconi anemia (FA). Also called: Fanconi's anemia. Identifiers: Orphanet 84, MedGen C0015625, MeSH D005199, MONDO:0019391.

Allele frequency attached by ClinVar (database versions not stated): ExAC 0.00005; gnomAD 0.00005 and 0.00007; TOPMed 0.00005; gnomAD exomes 0.00006 and 0.00010; ESP Exome Variant Server 0.00023.
gnomAD v4.1: 167 of 1,613,140 alleles (0.01%); highest among the groups gnomAD compares: Non-Finnish European, 0.013%; no homozygotes.

Submissions (2):

Labcorp Genetics (formerly Invitae), Labcorp
Classification: Uncertain significance for Fanconi anemia. Last evaluated: 2026-01-05. Review status: criteria provided, single submitter. Criteria: Invitae Variant Classification Sherloc (09022015). Collection method: clinical testing. Allele origin: germline.
Comment: This sequence change replaces isoleucine, which is neutral and non-polar, with valine, which is neutral and non-polar, at codon 115 of the FANCL protein (p.Ile115Val). This variant is present in population databases (rs149414332, gnomAD 0.01%). This variant has not been reported in the literature in individuals affected with FANCL-related conditions. ClinVar contains an entry for this variant (Variation ID: 526412). Invitae Evidence Modeling of protein sequence and biophysical properties (such as structural, functional, and spatial information, amino acid conservation, physicochemical variation, residue mobility, and thermodynamic stability) indicates that this missense variant is not expected to disrupt FANCL protein function with a negative predictive value of 80%. In summary, the available evidence is currently insufficient to determine the role of this variant in disease. Therefore, it has been classified as a Variant of Uncertain Significance.

Sema4
Classification: Uncertain significance for Fanconi anemia. Last evaluated: 2021-12-07. Review status: criteria provided, single submitter. Criteria: Sema4 Curation Guidelines. Collection method: curation. Allele origin: germline.
Comment: The FANCL c.343A>G (p.I115V) variant has not been reported in the literature to our knowledge. It was observed in 16/129064 chromosomes of the European (non-Finnish) subpopulation in the large and broad cohorts of the Genome Aggregation Database (PMID: 32461654). The variant has been reported in ClinVar (Variation ID 526412). In silico tools suggest the impact of the variant on protein function is benign, though these predictions have not been confirmed by functional studies.The evidence is insufficient to meet ACMG/AMP criteria for classifying the variant as benign or pathogenic. Thus, the clinical significance of this variant is currently uncertain.

NM_018062.4(FANCL):c.343A>G (p.Ile115Val)

Gene: FANCL (FA complementation group L; minus strand). Cytogenetic location: 2p16.1.
Variant type: single nucleotide variant.
Coding change: c.343A>G on transcript NM_018062.4 (MANE Select); coding-DNA position 343, A replaced by G.
Protein change: p.Ile115Val; replaces isoleucine 115 with valine.
Molecular consequence: missense variant.
Genome position (GRCh38, 1-based): chr2:58,221,973, T>C on the plus strand (A>G on the coding strand, the complement: FANCL is on the minus strand). VCF-style: chr2-58221973-T-C. GRCh37 (hg19) VCF-style: chr2-58449108-T-C.
Other names: c.343A>G, p.Ile115Val (NM_001114636.2, NM_001374615.1, NM_001410792.1); short protein forms I115V.
Identifiers: ClinVar variation 526412 (VCV000526412.9), dbSNP rs149414332, ClinGen allele CA1670680.
Genomic context (GRCh38, chr2:58,221,973, plus strand): 5'-ATTTAAAACATATTTTAAAACAGACATACTTATCCCAACCAAGAGTTCCTATCTCTTCAA[T>C]AAGGCTTGAGTAGAACTGGGGAGGAGGAGGTAGTGCATACAGCTCTTGTCTATTCTTTAA-3'
Protein context (NP_060532.2, residues 105-125): PPPPQFYSSL[Ile115Val]EEIGTLGWDK